The following is an entry in ClinVar:

NM_018076.5(ODAD2):c.3002A>C (p.His1001Pro)

Gene: ODAD2 (outer dynein arm docking complex subunit 2; minus strand). Cytogenetic location: 10p12.1.
Variant type: single nucleotide variant.
Coding change: c.3002A>C on transcript NM_018076.5 (MANE Select); coding-DNA position 3002, A replaced by C.
Protein change: p.His1001Pro; replaces histidine 1001 with proline.
Molecular consequence: missense variant.
Genome position (GRCh38, 1-based): chr10:27,860,644, T>G on the plus strand (A>C on the coding strand, the complement: ODAD2 is on the minus strand). VCF-style: chr10-27860644-T-G. GRCh37 (hg19) VCF-style: chr10-28149573-T-G.
Other names: c.3002A>C, p.His1001Pro (NM_001290020.2); c.1577A>C, p.His526Pro (NM_001290021.2); c.2078A>C, p.His693Pro (NM_001312689.2); short protein forms H1001P, H526P, H693P.
Identifiers: ClinVar variation 474585 (VCV000474585.9), dbSNP rs1554792749, ClinGen allele CA376491952.
Genomic context (GRCh38, chr10:27,860,644, plus strand): 5'-TTACCAAACTTGGACTAAACCACAAAGTCATTCAACTGTACCTTTACTGCACCATTCTCA[T>G]GCATGGTGATGCAGTTATCGGCGTCTTCTGAGAGTTGGTACAAGGCCTGAGCTGTCGCCC-3'
Protein context (NP_060546.2, residues 991-1011): SEDADNCITM[His1001Pro]ENGAVKLLLD

ClinVar aggregate classification (germline): Uncertain significance (1 of 4 stars; one submission).

Conditions:
Primary ciliary dyskinesia 23 (CILD23). Also called: CILIARY DYSKINESIA, PRIMARY, 23, WITH OR WITHOUT SITUS INVERSUS. Identifiers: Orphanet 244, MedGen C3809548, MONDO:0014193, OMIM 615451.

Submission:

Labcorp Genetics (formerly Invitae), Labcorp
Classification: Uncertain significance for Primary ciliary dyskinesia 23. Last evaluated: 2018-09-13. Review status: criteria provided, single submitter. Criteria: Invitae Variant Classification Sherloc (09022015). Collection method: clinical testing. Allele origin: germline.
Comment: In summary, this variant is a novel missense change with uncertain impact on protein function. It has been classified as a Variant of Uncertain Significance. Algorithms developed to predict the effect of missense changes on protein structure and function do not agree on the potential impact of this missense change (SIFT: "Deleterious"; PolyPhen-2: "Probably Damaging"; Align-GVGD: "Class C0"). This variant is not present in population databases (ExAC no frequency) and has not been reported in the literature in individuals with an ARMC4-related disease. This sequence change replaces histidine with proline at codon 1001 of the ARMC4 protein (p.His1001Pro). The histidine residue is highly conserved and there is a moderate physicochemical difference between histidine and proline.